The following is an entry in ClinVar:

NM_003482.4(KMT2D):c.2033C>A (p.Ser678Tyr)

Gene: KMT2D (lysine methyltransferase 2D; minus strand). Cytogenetic location: 12q13.12.
Variant type: single nucleotide variant.
Coding change: c.2033C>A on transcript NM_003482.4 (MANE Select); coding-DNA position 2033, C replaced by A.
Protein change: p.Ser678Tyr; replaces serine 678 with tyrosine.
Molecular consequence: missense variant.
Genome position (GRCh38, 1-based): chr12:49,051,650, G>T on the plus strand (C>A on the coding strand, the complement: KMT2D is on the minus strand). VCF-style: chr12-49051650-G-T. GRCh37 (hg19) VCF-style: chr12-49445433-G-T.
Other names: short protein forms S678Y.
Identifiers: ClinVar variation 3038788 (VCV003038788.2), dbSNP rs1592155817, ClinGen allele CA384669229.

ClinVar aggregate classification (germline): Uncertain significance (0 of 4 stars; one submission).

Conditions:
KMT2D-related disorder. Also called: KMT2D-Related Disorders.

Allele frequency attached by ClinVar (database versions not stated): gnomAD exomes 0.00001.
gnomAD v4.1: 3 of 1,572,472 alleles (0.00019%); highest among the groups gnomAD compares: Non-Finnish European, 0.00026%; no homozygotes.

Submission:

PreventionGenetics, part of Exact Sciences
Classification: Uncertain significance for KMT2D-related condition. Last evaluated: 2023-12-05. Review status: no assertion criteria provided. Collection method: clinical testing. Allele origin: germline.
Comment: The KMT2D c.2033C>A variant is predicted to result in the amino acid substitution p.Ser678Tyr. To our knowledge, this variant has not been reported in the literature or in a large population database, indicating this variant is rare. At this time, the clinical significance of this variant is uncertain due to the absence of conclusive functional and genetic evidence.